The following is an entry in ClinVar:

ClinVar aggregate classification (germline): Uncertain significance (1 of 4 stars; one submission).

Conditions:
Hereditary spastic paraplegia 54. Also called: Spastic paraplegia 54, autosomal recessive. Identifiers: Orphanet 320380, MedGen C3539495, MONDO:0014018, OMIM 615033.

Allele frequency attached by ClinVar (database versions not stated): TOPMed below 0.00001; gnomAD 0.00001; gnomAD exomes 0.00001; ExAC 0.00002.
gnomAD v4.1: 13 of 1,613,806 alleles (0.00081%); highest among the groups gnomAD compares: Non-Finnish European, 0.001%; no homozygotes.

Submission:

Baylor Genetics
Classification: Uncertain significance for Hereditary spastic paraplegia 54. Last evaluated: 2020-02-28. Review status: criteria provided, single submitter. Criteria: ACMG Guidelines, 2015. Collection method: clinical testing. Allele origin: unknown. Affected: yes.
Comment: This variant was determined to be of uncertain significance according to ACMG Guidelines, 2015 [PMID:25741868].

NM_015214.3(DDHD2):c.1478C>G (p.Pro493Arg)

Gene: DDHD2 (DDHD domain containing 2; plus strand). Cytogenetic location: 8p11.23.
Variant type: single nucleotide variant.
Coding change: c.1478C>G on transcript NM_015214.3 (MANE Select); coding-DNA position 1478, C replaced by G.
Protein change: p.Pro493Arg; replaces proline 493 with arginine.
Molecular consequence: missense variant. On other transcripts: non-coding transcript variant (2).
Genome position (GRCh38, 1-based): chr8:38,252,148, C>G. VCF-style: chr8-38252148-C-G. GRCh37 (hg19) VCF-style: chr8-38109666-C-G.
Other names: c.1478C>G, p.Pro493Arg (NM_001164232.2, NM_001362911.2, NM_001362912.2 and 1 more transcripts); c.1388C>G, p.Pro463Arg (NM_001362913.2); short protein forms P493R, P463R.
Identifiers: ClinVar variation 1029364 (VCV001029364.1), dbSNP rs753206667, ClinGen allele CA4716277.
Genomic context (GRCh38, chr8:38,252,148, plus strand): 5'-ACTTTTGTTATTAATGAGAGATGCTTTTATTTTCCTCCTTTGAGGTGTCTGTGAAATACC[C>G]CCGGCTCATCTATAAACCAGAGATATTCTTTGCCTTTGGATCTCCCATTGGAATGTTCCT-3'
Protein context (NP_056029.2, residues 483-503): VGIGQVSVKY[Pro493Arg]RLIYKPEIFF